The following is an entry in ClinVar:

NM_012073.5(CCT5):c.898G>A (p.Ala300Thr)

Gene: CCT5 (chaperonin containing TCP1 subunit 5; plus strand). Cytogenetic location: 5p15.2.
Variant type: single nucleotide variant.
Coding change: c.898G>A on transcript NM_012073.5 (MANE Select); coding-DNA position 898, G replaced by A.
Protein change: p.Ala300Thr; replaces alanine 300 with threonine.
Molecular consequence: missense variant.
Genome position (GRCh38, 1-based): chr5:10,260,816, G>A. VCF-style: chr5-10260816-G-A. GRCh37 (hg19) VCF-style: chr5-10260928-G-A.
Other names: c.835G>A, p.Ala279Thr (NM_001306153.1); c.733G>A, p.Ala245Thr (NM_001306154.2); c.619G>A, p.Ala207Thr (NM_001306155.2); c.784G>A, p.Ala262Thr (NM_001306156.2); short protein forms A207T, A245T, A279T, A300T, A262T.
Identifiers: ClinVar variation 2166023 (VCV002166023.4), dbSNP rs2126513156, ClinGen allele CA359184308.
Genomic context (GRCh38, chr5:10,260,816, plus strand): 5'-TTTCTCTTAATACGATTGTGGTGGTTCTTTTCCCAGATTAAAGAGACTGGTGCTAACCTA[G>A]CAATTTGTCAGTGGGGCTTTGATGATGAAGCAAATCACTTACTTCTTCAGAACAACTTGC-3'
Protein context (NP_036205.1, residues 290-310): QQIKETGANL[Ala300Thr]ICQWGFDDEA

ClinVar aggregate classification (germline): Uncertain significance (1 of 4 stars; one submission).

Conditions:
Hereditary sensory and autonomic neuropathy with spastic paraplegia (HSNSP). Identifiers: Orphanet 139578, MedGen C1850395, MONDO:0009748, OMIM 256840.

Allele frequency attached by ClinVar (database versions not stated): gnomAD exomes below 0.00001.
gnomAD v4.1: 1 of 1,614,020 alleles (0.000062%); highest among the groups gnomAD compares: Non-Finnish European, 0.000085%; no homozygotes.

Submission:

Labcorp Genetics (formerly Invitae), Labcorp
Classification: Uncertain significance for Hereditary sensory and autonomic neuropathy with spastic paraplegia. Last evaluated: 2021-12-29. Review status: criteria provided, single submitter. Criteria: Invitae Variant Classification Sherloc (09022015). Collection method: clinical testing. Allele origin: germline.
Comment: In summary, the available evidence is currently insufficient to determine the role of this variant in disease. Therefore, it has been classified as a Variant of Uncertain Significance. Algorithms developed to predict the effect of missense changes on protein structure and function are either unavailable or do not agree on the potential impact of this missense change (SIFT: "Deleterious"; PolyPhen-2: "Possibly Damaging"; Align-GVGD: "Class C0"). This variant has not been reported in the literature in individuals affected with CCT5-related conditions. This variant is not present in population databases (gnomAD no frequency). This sequence change replaces alanine, which is neutral and non-polar, with threonine, which is neutral and polar, at codon 300 of the CCT5 protein (p.Ala300Thr).